The following is an entry in ClinVar:

ClinVar aggregate classification (germline): Uncertain significance (1 of 4 stars; one submission).

Conditions:
Ataxia-telangiectasia syndrome (AT). Also called: Ataxia-telangiectasia, complementation group E; Ataxia telangiectasia (A-T); LOUIS-BAR SYNDROME; ATAXIA-TELANGIECTASIA, COMPLEMENTATION GROUP A; ATAXIA-TELANGIECTASIA, FRESNO VARIANT; Ataxia-telangiectasia, complementation group D. Identifiers: Orphanet 100, MedGen C0004135, MONDO:0008840, OMIM 208900.

Submission:

Labcorp Genetics (formerly Invitae), Labcorp
Classification: Uncertain significance for Ataxia-telangiectasia syndrome. Last evaluated: 2022-10-14. Review status: criteria provided, single submitter. Criteria: Invitae Variant Classification Sherloc (09022015). Collection method: clinical testing. Allele origin: germline.
Comment: In summary, the available evidence is currently insufficient to determine the role of this variant in disease. Therefore, it has been classified as a Variant of Uncertain Significance. Variants that disrupt the consensus splice site are a relatively common cause of aberrant splicing (PMID: 17576681, 9536098). Algorithms developed to predict the effect of sequence changes on RNA splicing suggest that this variant may disrupt the consensus splice site. This variant has not been reported in the literature in individuals affected with ATM-related conditions. This variant is not present in population databases (gnomAD no frequency). This sequence change falls in intron 20 of the ATM gene. It does not directly change the encoded amino acid sequence of the ATM protein. It affects a nucleotide within the consensus splice site.

Literature cited by the submitters: PubMed 17576681; PubMed 9536098.

NM_000051.4(ATM):c.3077+6T>C

Gene: ATM (ATM serine/threonine kinase; plus strand). Cytogenetic location: 11q22.3.
Variant type: single nucleotide variant.
Coding change: c.3077+6T>C on transcript NM_000051.4 (MANE Select); 6 bases into the intron after coding-DNA position 3077, T replaced by C.
Molecular consequence: intron variant.
Genome position (GRCh38, 1-based): chr11:108,271,412, T>C. VCF-style: chr11-108271412-T-C. GRCh37 (hg19) VCF-style: chr11-108142139-T-C.
Other names: c.3077+6T>C (NM_001351834.2).
Identifiers: ClinVar variation 2880259 (VCV002880259.3), dbSNP rs1565426002, ClinGen allele CA2724977659.